The following is an entry in ClinVar:

NM_000465.4(BARD1):c.1307_1314+11del

Gene: BARD1 (BRCA1 associated RING domain 1; minus strand). Cytogenetic location: 2q35.
Variant type: Deletion.
Coding change: c.1307_1314+11del on transcript NM_000465.4 (MANE Select); coding-DNA position 1307 through 11 bases into the intron after coding-DNA position 1314, 19 bases deleted (CTATTAAGGTAGGATGCTT).
Molecular consequence: splice donor variant. On other transcripts: intron variant (3).
Genome position (GRCh38, 1-based): chr2:214,780,549-214,780,567, AAGCATCCTACCTTAATAG deleted on the plus strand (CTATTAAGGTAGGATGCTT on the coding strand, the reverse complement: BARD1 is on the minus strand); deleting any 19 consecutive bases within chr2:214,780,549-214,780,572 gives the same sequence; the c. name uses the placement nearest the transcript's 3' end. VCF-style (leftmost placement, unchanged base first): chr2-214780548-TAAGCATCCTACCTTAATAG-T. GRCh37 (hg19) VCF-style: chr2-215645272-TAAGCATCCTACCTTAATAG-T.
Other names: c.159-28012_159-27994del (NM_001282548.2); c.1250_1257+11del (NM_001282543.2); c.215+16494_215+16512del (NM_001282545.2); c.364+11730_364+11748del (NM_001282549.2).
Identifiers: ClinVar variation 2583717 (VCV002583717.2), dbSNP rs2469500161, ClinGen allele CA2582342085.
Genomic context (GRCh38, chr2:214,780,548, plus strand): 5'-TTCAAAAACTGCAAAGAAATTGCTTTATAGTTGGCCTCATTCTGAGATGGTATTTCAGAG[TAAGCATCCTACCTTAATAG>T]AAGCAATATGGAGCAAAGTCTCTCCTCTATGATTTCTTTTCACAGCCATATTGGGCAACA-3'

ClinVar aggregate classification (germline): Likely pathogenic (1 of 4 stars; one submission).

Conditions:
Familial cancer of breast. Also called: Hereditary breast cancer; BREAST CANCER, FAMILIAL; hereditary breast carcinoma. Identifiers: Orphanet 227535, MedGen C0346153, MONDO:0016419, OMIM 114480. Disease mechanism: loss of function.

Submission:

Myriad Genetics, Inc.
Classification: Likely pathogenic for Familial cancer of breast. Last evaluated: 2023-05-22. Review status: criteria provided, single submitter. Criteria: Myriad Autosomal Dominant, Autosomal Recessive and X-Linked Classification Criteria (2023). Collection method: clinical testing. Allele origin: unknown.
Comment: This variant is considered likely pathogenic. This variant occurs within a consensus splice junction and is predicted to result in abnormal mRNA splicing of either an out-of-frame exon or an in-frame exon necessary for protein stability and/or normal function.